The following is an entry in ClinVar:

ClinVar aggregate classification (germline): Uncertain significance (1 of 4 stars; one submission).

Conditions:
EGFR-related lung cancer (EGFR). Identifiers: MedGen CN130014.

Allele frequency attached by ClinVar (database versions not stated): gnomAD 0.00001; TOPMed 0.00001.

Submission:

Labcorp Genetics (formerly Invitae), Labcorp
Classification: Uncertain significance for EGFR-related lung cancer. Last evaluated: 2025-07-07. Review status: criteria provided, single submitter. Criteria: Invitae Variant Classification Sherloc (09022015). Collection method: clinical testing. Allele origin: germline.
Comment: This sequence change replaces methionine, which is neutral and non-polar, with isoleucine, which is neutral and non-polar, at codon 111 of the EGFR protein (p.Met111Ile). This variant is not present in population databases (gnomAD no frequency). This variant has not been reported in the literature in individuals affected with EGFR-related conditions. ClinVar contains an entry for this variant (Variation ID: 2040180). Invitae Evidence Modeling of protein sequence and biophysical properties (such as structural, functional, and spatial information, amino acid conservation, physicochemical variation, residue mobility, and thermodynamic stability) indicates that this missense variant is not expected to disrupt EGFR protein function with a negative predictive value of 80%. In summary, the available evidence is currently insufficient to determine the role of this variant in disease. Therefore, it has been classified as a Variant of Uncertain Significance.

NM_005228.5(EGFR):c.333G>A (p.Met111Ile)

Gene: EGFR (epidermal growth factor receptor; plus strand). Cytogenetic location: 7p11.2.
Variant type: single nucleotide variant.
Coding change: c.333G>A on transcript NM_005228.5 (MANE Select); coding-DNA position 333, G replaced by A.
Protein change: p.Met111Ile; replaces methionine 111 with isoleucine.
Molecular consequence: missense variant. On other transcripts: intron variant (1).
Genome position (GRCh38, 1-based): chr7:55,143,397, G>A. VCF-style: chr7-55143397-G-A. GRCh37 (hg19) VCF-style: chr7-55211090-G-A.
Other names: c.333G>A, p.Met111Ile (NM_001346897.2, NM_001346898.2, NM_001346899.2 and 3 more transcripts); c.174G>A, p.Met58Ile (NM_001346900.2); c.89-12433G>A (NM_001346941.2); short protein forms M111I, M58I.
Identifiers: ClinVar variation 2040180 (VCV002040180.4), dbSNP rs1488843432, ClinGen allele CA367575810.